The following is an entry in ClinVar:

NM_207122.2(EXT2):c.1109T>C (p.Met370Thr)

Gene: EXT2 (exostosin glycosyltransferase 2; plus strand). Cytogenetic location: 11p11.2.
Variant type: single nucleotide variant.
Coding change: c.1109T>C on transcript NM_207122.2 (MANE Select); coding-DNA position 1109, T replaced by C.
Protein change: p.Met370Thr; replaces methionine 370 with threonine.
Molecular consequence: missense variant.
Genome position (GRCh38, 1-based): chr11:44,130,074, T>C. VCF-style: chr11-44130074-T-C. GRCh37 (hg19) VCF-style: chr11-44151624-T-C.
Other names: c.1208T>C, p.Met403Thr (NM_000401.3); c.1109T>C, p.Met370Thr (NM_001178083.3, NM_001389628.1, NM_001389630.1); short protein forms M370T, M403T.
Identifiers: ClinVar variation 304587 (VCV000304587.14), dbSNP rs199711832, ClinGen allele CA10630861.

ClinVar aggregate classification (germline): Uncertain significance. Review status: criteria provided, multiple submitters, no conflicts (2 of 4 stars). 4 submissions from 4 submitters: Uncertain significance (4). Last evaluated 2025-09-24.

Conditions:
Seizures-scoliosis-macrocephaly syndrome. Also called: Seizures, scoliosis, and macrocephaly syndrome; SEIZURES, SCOLIOSIS, AND MACROCEPHALY/MICROCEPHALY SYNDROME. Identifiers: Orphanet 466926, MedGen C4225248, MONDO:0014731, OMIM 616682.
Exostoses, multiple, type 2 (EXT2). Also called: Hereditary Multiple Osteochondromatosis, Type II; EXOSTOSES, MULTIPLE, TYPE II. Identifiers: Orphanet 321, MedGen C1851413, MONDO:0007586, OMIM 133701.

Allele frequency attached by ClinVar (database versions not stated): gnomAD exomes 0.00001 and 0.00002; TOPMed 0.00001; gnomAD 0.00002.
gnomAD v4.1: 22 of 1,614,064 alleles (0.0014%); highest among the groups gnomAD compares: Non-Finnish European, 0.00034%; no homozygotes.

Submissions (4):

Labcorp Genetics (formerly Invitae), Labcorp
Classification: Uncertain significance for Exostoses, multiple, type 2. Last evaluated: 2025-09-24. Review status: criteria provided, single submitter. Criteria: Invitae Variant Classification Sherloc (09022015). Collection method: clinical testing. Allele origin: germline.
Comment: This sequence change replaces methionine, which is neutral and non-polar, with threonine, which is neutral and polar, at codon 370 of the EXT2 protein (p.Met370Thr). This variant is present in population databases (rs199711832, gnomAD 0.05%). This variant has not been reported in the literature in individuals affected with EXT2-related conditions. ClinVar contains an entry for this variant (Variation ID: 304587). Invitae Evidence Modeling of protein sequence and biophysical properties (such as structural, functional, and spatial information, amino acid conservation, physicochemical variation, residue mobility, and thermodynamic stability) has been performed for this missense variant. However, the output from this modeling did not meet the statistical confidence thresholds required to predict the impact of this variant on EXT2 protein function. In summary, the available evidence is currently insufficient to determine the role of this variant in disease. Therefore, it has been classified as a Variant of Uncertain Significance.

Molecular Pathology, Peter Maccallum Cancer Centre
Classification: Uncertain significance for Exostoses, multiple, type 2. Last evaluated: 2024-10-24. Review status: criteria provided, single submitter. Criteria: ACMG Guidelines, 2015. Collection method: clinical testing. Allele origin: germline. Inheritance: Autosomal dominant inheritance.

Fulgent Genetics
Classification: Uncertain significance for Exostoses, multiple, type 2; Seizures-scoliosis-macrocephaly syndrome. Last evaluated: 2024-06-14. Review status: criteria provided, single submitter. Criteria: ACMG Guidelines, 2015. Collection method: clinical testing. Allele origin: germline.

Illumina Laboratory Services, Illumina
Classification: Uncertain significance for Exostoses, multiple, type 2. Last evaluated: 2018-01-12. Review status: criteria provided, single submitter. Criteria: ICSL Variant Classification Criteria 13 December 2019. Collection method: clinical testing. Allele origin: germline.